The following is an entry in ClinVar:

NM_000092.5(COL4A4):c.3289+2dup

Gene: COL4A4 (collagen type IV alpha 4 chain; minus strand). Cytogenetic location: 2q36.3.
Variant type: Duplication.
Coding change: c.3289+2dup on transcript NM_000092.5 (MANE Select); the canonical splice donor site of the intron after coding-DNA position 3289, one base duplicated (T; older notation c.3289+2dupT).
Molecular consequence: splice donor variant.
Genome position (GRCh38, 1-based): chr2:227,047,473, A duplicated on the plus strand (T on the coding strand, the reverse complement: COL4A4 is on the minus strand). VCF-style (leftmost placement, unchanged base first): chr2-227047472-T-TA. GRCh37 (hg19) VCF-style: chr2-227912188-T-TA.
Other names: c.3289+2dupT (NM_000092.5).
Identifiers: ClinVar variation 4536054 (VCV004536054.1).

ClinVar aggregate classification (germline): Uncertain significance (1 of 4 stars; one submission).

Submission:

Women's Health and Genetics/Laboratory Corporation of America, LabCorp
Classification: Uncertain significance. Last evaluated: 2025-09-23. Review status: criteria provided, single submitter. Criteria: LabCorp Variant Classification Summary - May 2015. Collection method: clinical testing. Allele origin: germline.
Comment: Variant summary: COL4A4 c.3289+2dupT alters a conserved nucleotide located close to a canonical splice site and therefore could affect mRNA splicing, leading to a significantly altered protein sequence. Several computational tools predict a significant impact on normal splicing: Two predict the variant abolishes the canonical 5' splicing donor site. One predict the variant weakens the canonical 5' donor site. One predict the variant no significant impact on splicing. However, these predictions have yet to be confirmed by functional studies. The variant was absent in 249020 control chromosomes. The available data on variant occurrences in the general population are insufficient to allow any conclusion about variant significance. To our knowledge, no occurrence of c.3289+2dupT in individuals affected with COL4A4-related conditions and no experimental evidence demonstrating its impact on protein function have been reported. No submitters have cited clinical-significance assessments for this variant to ClinVar. Based on the evidence outlined above, the variant was classified as uncertain significance.